The following is an entry in ClinVar:

ClinVar aggregate classification (germline): Uncertain significance (1 of 4 stars; one submission).

Conditions:
Cerebellar atrophy, visual impairment, and psychomotor retardation;. Also called: Cerebellar atrophy, visual impairment, and psychomotor retardation. Identifiers: MedGen C4225172, MONDO:0014811, OMIM 616875.

Allele frequency attached by ClinVar (database versions not stated): gnomAD exomes below 0.00001.
gnomAD v4.1: 1 of 1,614,038 alleles (0.000062%); highest among the groups gnomAD compares: Non-Finnish European, 0.000085%; no homozygotes.

Submission:

Baylor Genetics
Classification: Uncertain significance for Cerebellar atrophy, visual impairment, and psychomotor retardation;. Last evaluated: 2019-02-08. Review status: criteria provided, single submitter. Criteria: ACMG Guidelines, 2015. Collection method: clinical testing. Allele origin: maternal. Affected: yes.
Comment: This variant was determined to be of uncertain significance according to ACMG Guidelines, 2015 [PMID:25741868].

NM_015047.3(EMC1):c.1127A>C (p.Asn376Thr)

Genes: EMC1 (ER membrane protein complex subunit 1; minus strand), EMC1-AS1 (EMC1 antisense RNA 1; plus strand). Cytogenetic location: 1p36.13.
Variant type: single nucleotide variant.
Coding change: c.1127A>C on transcript NM_015047.3 (MANE Select); coding-DNA position 1127, A replaced by C.
Protein change: p.Asn376Thr; replaces asparagine 376 with threonine.
Molecular consequence: missense variant.
Genome position (GRCh38, 1-based): chr1:19,238,102, T>G on the plus strand (A>C on the coding strand, the complement: EMC1 is on the minus strand). VCF-style: chr1-19238102-T-G. GRCh37 (hg19) VCF-style: chr1-19564596-T-G.
Other names: c.1124A>C, p.Asn375Thr (NM_001271427.2, NM_001375821.1); c.1127A>C, p.Asn376Thr (NM_001271428.2, NM_001375820.1); c.1061A>C, p.Asn354Thr (NM_001271429.2); short protein forms N354T, N375T, N376T.
Identifiers: ClinVar variation 1029345 (VCV001029345.1), dbSNP rs1558106688, ClinGen allele CA338766604.